The following is an entry in ClinVar:

ClinVar aggregate classification (germline): Conflicting classifications of pathogenicity. Review status: criteria provided, conflicting classifications (1 of 4 stars). 6 submissions from 6 submitters: Uncertain significance (1); Likely benign (4). 1 of the submissions does not count toward it. Last evaluated 2025-10-23.

Conditions:
Cardiovascular phenotype. Identifiers: MedGen CN230736.
TTN-related disorder. Also called: TTN-related condition; TTN-related disease; TTN-related disorders.
Dilated cardiomyopathy 1G (CMD1G). Identifiers: Orphanet 154, MedGen C1858763, MONDO:0011400, OMIM 604145.
Autosomal recessive limb-girdle muscular dystrophy type 2J (LGMDR10). Also called: Limb-girdle muscular dystrophy, type 2J; MUSCULAR DYSTROPHY, LIMB-GIRDLE, AUTOSOMAL RECESSIVE 10. Identifiers: Orphanet 140922, MedGen C1837342, MONDO:0012127, OMIM 608807.

Allele frequency attached by ClinVar (database versions not stated): ExAC 0.00001; gnomAD exomes 0.00001; gnomAD 0.00003; TOPMed 0.00003.
gnomAD v4.1: 19 of 1,602,460 alleles (0.0012%); highest among the groups gnomAD compares: Non-Finnish European, 0.0015%; no homozygotes.

Submissions (6):

Labcorp Genetics (formerly Invitae), Labcorp
Classification: Likely benign for Dilated cardiomyopathy 1G; Autosomal recessive limb-girdle muscular dystrophy type 2J. Last evaluated: 2025-10-23. Review status: criteria provided, single submitter. Criteria: Invitae Variant Classification Sherloc (09022015). Collection method: clinical testing. Allele origin: germline.

CeGaT Center for Human Genetics Tuebingen
Classification: Likely benign. Last evaluated: 2023-05-01. Review status: criteria provided, single submitter. Criteria: CeGaT Center For Human Genetics Tuebingen Variant Classification Criteria Version 2. Collection method: clinical testing. Allele origin: germline. Affected: yes. Observed: 2 variant alleles.
Comment: TTN: BP4, BP7

Women's Health and Genetics/Laboratory Corporation of America, LabCorp
Classification: Likely benign. Last evaluated: 2021-12-04. Review status: criteria provided, single submitter. Criteria: LabCorp Variant Classification Summary - May 2015. Collection method: clinical testing. Allele origin: germline.

Ambry Genetics
Classification: Likely benign for Cardiovascular phenotype. Last evaluated: 2021-07-06. Review status: criteria provided, single submitter. Criteria: Ambry Variant Classification Scheme 2023. Collection method: clinical testing. Allele origin: germline.

Eurofins Ntd Llc (ga)
Classification: Uncertain significance. Last evaluated: 2017-01-30. Review status: criteria provided, single submitter. Criteria: EGL Classification Definitions 2015. Collection method: clinical testing. Allele origin: germline. Observed: 1 variant allele, 1 heterozygote.

PreventionGenetics, part of Exact Sciences
Classification: Likely benign for TTN-related condition. Last evaluated: 2021-07-22. Review status: no assertion criteria provided. Collection method: clinical testing. Allele origin: germline. Not counted in ClinVar's aggregate classification.
Comment: This variant is classified as likely benign based on ACMG/AMP sequence variant interpretation guidelines (Richards et al. 2015 PMID: 25741868, with internal and published modifications).

NM_001267550.2(TTN):c.96921T>C (p.Asp32307=)

Genes: TTN (titin; minus strand), TTN-AS1 (TTN antisense RNA 1; plus strand), LOC126806421 (CDK7 strongly-dependent group 2 enhancer GRCh37_chr2:179407630-179408829; plus strand). Cytogenetic location: 2q31.2.
Variant type: single nucleotide variant.
Coding change: c.96921T>C on transcript NM_001267550.2 (MANE Select); coding-DNA position 96921, T replaced by C.
Protein change: p.Asp32307=; no amino-acid change (aspartic acid 32307 retained).
Molecular consequence: synonymous variant.
Genome position (GRCh38, 1-based): chr2:178,542,933, A>G on the plus strand (T>C on the coding strand, the complement: TTN is on the minus strand). VCF-style: chr2-178542933-A-G. GRCh37 (hg19) VCF-style: chr2-179407660-A-G.
Other names: c.91998T>C, p.Asp30666= (NM_001256850.1); c.69726T>C, p.Asp23242= (NM_003319.4); c.89217T>C, p.Asp29739= (NM_133378.4); c.70101T>C, p.Asp23367= (NM_133432.3); c.70302T>C, p.Asp23434= (NM_133437.4).
Identifiers: ClinVar variation 500174 (VCV000500174.48), dbSNP rs771385738, ClinGen allele CA1986664.